The following is an entry in ClinVar:

ClinVar aggregate classification (germline): Benign (1 of 4 stars; one submission).

Conditions:
Sessile serrated polyposis cancer syndrome (SSPCS). Identifiers: Orphanet 157798, MedGen C4310714, MONDO:0014919, OMIM 617108.

Submission:

Myriad Genetics, Inc.
Classification: Benign for Sessile serrated polyposis cancer syndrome. Last evaluated: 2026-07-01. Review status: criteria provided, single submitter. Criteria: Myriad Autosomal Dominant, Autosomal Recessive and X-Linked Classification Criteria (2023). Collection method: clinical testing. Allele origin: unknown.
Comment: This variant is considered benign. This variant is a silent/synonymous amino acid change and it is not expected to impact splicing.

NM_017763.6(RNF43):c.1134C>T (p.Ser378=)

Gene: RNF43 (ring finger protein 43; minus strand). Cytogenetic location: 17q22.
Variant type: single nucleotide variant.
Coding change: c.1134C>T on transcript NM_017763.6 (MANE Select); coding-DNA position 1134, C replaced by T.
Protein change: p.Ser378=; no amino-acid change (serine 378 retained).
Molecular consequence: synonymous variant.
Genome position (GRCh38, 1-based): chr17:58,358,642, G>A on the plus strand (C>T on the coding strand, the complement: RNF43 is on the minus strand). VCF-style: chr17-58358642-G-A. GRCh37 (hg19) VCF-style: chr17-56436003-G-A.
Other names: c.1134C>T, p.Ser378= (NM_001305544.3, NM_001438820.1, NM_001438821.1 and 1 more transcripts); c.753C>T, p.Ser251= (NM_001305545.2, NM_001437987.1).
Identifiers: ClinVar variation 5042416 (VCV005042416.1).